The following is an entry in ClinVar:

ClinVar aggregate classification (germline): Uncertain significance (1 of 4 stars; one submission).

Conditions:
Hereditary nonpolyposis colorectal neoplasms. Identifiers: MedGen C0009405, MeSH D003123.

Submission:

Labcorp Genetics (formerly Invitae), Labcorp
Classification: Uncertain significance for Hereditary nonpolyposis colorectal neoplasms. Last evaluated: 2024-04-08. Review status: criteria provided, single submitter. Criteria: Invitae Variant Classification Sherloc (09022015). Collection method: clinical testing. Allele origin: germline.
Comment: This sequence change replaces arginine, which is basic and polar, with glycine, which is neutral and non-polar, at codon 1342 of the MSH6 protein (p.Arg1342Gly). This variant is not present in population databases (gnomAD no frequency). This variant has not been reported in the literature in individuals affected with MSH6-related conditions. Advanced modeling of protein sequence and biophysical properties (such as structural, functional, and spatial information, amino acid conservation, physicochemical variation, residue mobility, and thermodynamic stability) performed at Invitae indicates that this missense variant is not expected to disrupt MSH6 protein function with a negative predictive value of 95%. In summary, the available evidence is currently insufficient to determine the role of this variant in disease. Therefore, it has been classified as a Variant of Uncertain Significance.

NM_000179.3(MSH6):c.4024A>G (p.Arg1342Gly)

Gene: MSH6 (mutS homolog 6; plus strand). Cytogenetic location: 2p16.3.
Variant type: single nucleotide variant.
Coding change: c.4024A>G on transcript NM_000179.3 (MANE Select); coding-DNA position 4024, A replaced by G.
Protein change: p.Arg1342Gly; replaces arginine 1342 with glycine.
Molecular consequence: missense variant. On other transcripts: 3 prime UTR variant (5), non-coding transcript variant (5).
Genome position (GRCh38, 1-based): chr2:47,806,801, A>G. VCF-style: chr2-47806801-A-G. GRCh37 (hg19) VCF-style: chr2-48033940-A-G.
Other names: c.3634A>G, p.Arg1212Gly (NM_001281492.2); c.3118A>G, p.Arg1040Gly (NM_001281493.2, NM_001281494.2, NM_001406811.1 and 6 more transcripts); c.4120A>G, p.Arg1374Gly (NM_001406795.1); c.4024A>G, p.Arg1342Gly (NM_001406796.1, NM_001406809.1); c.3727A>G, p.Arg1243Gly (NM_001406797.1, NM_001406805.1, NM_001406818.1 and 8 more transcripts); c.3850A>G, p.Arg1284Gly (NM_001406798.1); c.3499A>G, p.Arg1167Gly (NM_001406799.1, NM_001406806.1, NM_001406807.1); c.*45A>G (NM_001406800.1); and 9 more; short protein forms R1212G, R1342G, R1374G, R1054G, R1167G, R1284G, R269G, R291G.
Identifiers: ClinVar variation 3633978 (VCV003633978.2).